The following continues an entry in ClinVar:

NM_000363.5(TNNI3):c.292C>T (p.Arg98Ter)

Gene: TNNI3. ClinVar aggregate classification (germline): Conflicting classifications of pathogenicity. Pathogenic (1); Likely pathogenic (1); Uncertain significance (9).

Submissions 7 to 11 of 11:

Victorian Clinical Genetics Services, Murdoch Childrens Research Institute
Classification: Uncertain significance for Dilated cardiomyopathy 2A. Last evaluated: 2023-07-17. Review status: criteria provided, single submitter. Criteria: ACMG Guidelines, 2015. Collection method: clinical testing. Allele origin: germline.
Comment: Based on the classification scheme VCGS_Germline_v1.3.4, this variant is classified as VUS-3A. Following criteria are met: 0103 - Gain of function and loss of function are reported mechanisms of disease in this gene. Gain of function is associated with familial restrictive cardiomyopathy 1 (MIM#115210) and hypertrophic cardiomyopathy 7 (HCM; MIM#613690), while the latter is associated with dilated cardiomyopathy 1FF (DCM; MIM#613286) (PMIDs: 19914256, 21533915). (I) 0108 - This gene is associated with both recessive and dominant disease. The recessive form of inheritance is the exception and has only been reported in a few families (PMIDs: 15070570, 23270746, 31568572). (I) 0112 - The condition associated with this gene has incomplete penetrance (PMID: 15607392). (I) 0115 - Variants in this gene are known to have variable expressivity (PMID: 23270746). (I) 0201 - Variant is predicted to cause nonsense-mediated decay (NMD) and loss of protein (premature termination codon is located at least 54 nucleotides upstream of the final exon-exon junction). (SP) 0252 - This variant is homozygous. (I) 0302 - Variant is present in gnomAD (v2) <0.001 for a dominant condition (16 heterozygotes, 0 homozygotes). (SP) 0708 - Other NMD variants comparable to the one identified in this case have conflicting previous evidence for pathogenicity. Most NMD variants reported in patients with cardiomyopathies are either VUS or conflicting, however p.(Asp113Alafs*2) has been regarded pathogenic for HCM (PMID: 27532257) and p.(Arg69Alafs*8) has been reported in a family with recessive DCM (PMID: 31568572). (I) 0808 - Previous reports of pathogenicity for this variant are conflicting. This variant has been reported as VUS, likely pathogenic and pathogenic (ClinVar, LOVD) in individuals with HCM (PMID: 27532257) or DCM (PMID: 28436080, 30065175, 30165862). It has also been detected in a case of stillbirth in a study screening heart disease genes (PMID: 30615648). (I) 0905 - No published segregation evidence has been identified for this variant. (I) 1002 - This variant has moderate functional evidence supporting abnormal protein function. Heart biopsy of a patient with DCM showed increased calcium sensitivity and decreased length-dependent activation. In addition, this variant was shown to reduce expression of the troponin complex proteins and altered stoichiometry between the subunits. Exchange with wild-type troponin complex corrected troponin protein levels to 83% of controls (PMID: 28436080). (I) Legend: (SP) - Supporting pathogenic, (I) - Information, (SB) - Supporting benign

GeneDx
Classification: Uncertain significance. Last evaluated: 2023-05-26. Review status: criteria provided, single submitter. Criteria: GeneDx Variant Classification Process June 2021. Collection method: clinical testing. Allele origin: germline. Affected: yes.
Comment: Reported in association with cardiomyopathy, however, additional clinical information was not provided (Walsh et al., 2017; Lu et al., 2018); Reported in a participant in the Framingham heart study (FHS) who had a normal left ventricular wall thickness and a physiological risk factor for heart disease (Bick et al., 2012); Nonsense variant predicted to result in protein truncation or nonsense mediated decay in a gene for which loss-of-function is not a known mechanism of disease; This variant is associated with the following publications: (PMID: 22958901, 27532257, 28436080, 30165862)

Clinical Genetics Laboratory, Skane University Hospital Lund
Classification: Uncertain significance. Last evaluated: 2022-05-27. Review status: criteria provided, single submitter. Criteria: ACMG Guidelines, 2015. Collection method: clinical testing. Allele origin: germline. Affected: yes.

Fulgent Genetics
Classification: Uncertain significance for Cardiomyopathy, familial restrictive, 1; Dilated cardiomyopathy 2A; Dilated cardiomyopathy 1FF; Hypertrophic cardiomyopathy 7. Last evaluated: 2021-10-29. Review status: criteria provided, single submitter. Criteria: ACMG Guidelines, 2015. Collection method: clinical testing. Allele origin: unknown.

CHEO Genetics Diagnostic Laboratory, Children's Hospital of Eastern Ontario
Classification: Uncertain significance for Cardiomyopathy. Last evaluated: 2018-04-05. Review status: criteria provided, single submitter. Criteria: ACMG Guidelines, 2015. Collection method: clinical testing. Allele origin: germline.

Literature cited by the submitters: PubMed 22958901 (cited by Ambry Genetics and Mayo Clinic Laboratories, Mayo Clinic); PubMed 27532257 (cited by 5 submitters); PubMed 28436080 (cited by 5 submitters); PubMed 30165862 (cited by 5 submitters); PubMed 30615648 (cited by 5 submitters); PubMed 34286374 (cited by 4 submitters); PubMed 36252119 (cited by 5 submitters); PubMed 36981019 (cited by 5 submitters); PubMed 31568572 (cited by 3 submitters); PubMed 34036930 (cited by Labcorp Genetics (formerly Invitae), Labcorp); PubMed 35838873 (cited by Labcorp Genetics (formerly Invitae), Labcorp); PubMed 38795101 (cited by All of Us Research Program, National Institutes of Health and Color Diagnostics, LLC DBA Color Health); PubMed 36264615 (cited by Mayo Clinic Laboratories, Mayo Clinic); PubMed 15070570 (cited by Victorian Clinical Genetics Services, Murdoch Childrens Research Institute); PubMed 15607392 (cited by Victorian Clinical Genetics Services, Murdoch Childrens Research Institute); PubMed 19914256 (cited by Victorian Clinical Genetics Services, Murdoch Childrens Research Institute); PubMed 21533915 (cited by Victorian Clinical Genetics Services, Murdoch Childrens Research Institute); PubMed 23270746 (cited by Victorian Clinical Genetics Services, Murdoch Childrens Research Institute); PubMed 30065175 (cited by Victorian Clinical Genetics Services, Murdoch Childrens Research Institute).